The following is an entry in ClinVar:

NM_001620.3(AHNAK):c.12900C>T (p.Ile4300=)

Gene: AHNAK (AHNAK nucleoprotein; minus strand). Cytogenetic location: 11q12.3.
Variant type: single nucleotide variant.
Coding change: c.12900C>T on transcript NM_001620.3 (MANE Select); coding-DNA position 12900, C replaced by T.
Protein change: p.Ile4300=; no amino-acid change (isoleucine 4300 retained).
Molecular consequence: synonymous variant. On other transcripts: intron variant (1).
Genome position (GRCh38, 1-based): chr11:62,521,517, G>A on the plus strand (C>T on the coding strand, the complement: AHNAK is on the minus strand). VCF-style: chr11-62521517-G-A. GRCh37 (hg19) VCF-style: chr11-62288989-G-A.
Other names: c.12900C>T, p.Ile4300= (NM_001346445.2, NM_001346446.2); c.342+13486C>T (NM_024060.4).
Identifiers: ClinVar variation 2641862 (VCV002641862.24), dbSNP rs529841298, ClinGen allele CA6044485.
Genomic context (GRCh38, chr11:62,521,517, plus strand): 5'-TTTCACCTTGGGCATCTTCAGGTGCCAGTCTGGGCCATGAACATCTACATCAGGGGCATC[G>A]ATGTCCACTTTGGGGCCCTTGATGTCAACTTCTGGGCCCTTGAGGTCACCTTCCACTTTA-3'
Protein context (NP_001611.1, residues 4290-4310): EVDIKGPKVD[Ile4300=]DAPDVDVHGP

ClinVar aggregate classification (germline): Likely benign (1 of 4 stars; one submission).

Allele frequency attached by ClinVar (database versions not stated): gnomAD exomes 0.00010; ExAC 0.00013; 1000 Genomes Project 0.00020; gnomAD 0.00035; 1000 Genomes Project 30x 0.00062.
gnomAD v4.1: 204 of 1,606,722 alleles (0.013%); highest among the groups gnomAD compares: African/African-American, 0.13%; 1 homozygote.

Submission:

CeGaT Center for Human Genetics Tuebingen
Classification: Likely benign. Last evaluated: 2023-03-01. Review status: criteria provided, single submitter. Criteria: CeGaT Center For Human Genetics Tuebingen Variant Classification Criteria Version 2. Collection method: clinical testing. Allele origin: germline. Affected: yes. Observed: 1 variant allele.
Comment: AHNAK: BP4, BP7